The following is an entry in ClinVar:

ClinVar aggregate classification (germline): Uncertain significance (1 of 4 stars; one submission).

Submission:

GeneDx
Classification: Uncertain significance. Last evaluated: 2023-12-21. Review status: criteria provided, single submitter. Criteria: GeneDx Variant Classification Process June 2021. Collection method: clinical testing. Allele origin: germline. Affected: yes.
Comment: Not observed at significant frequency in large population cohorts (gnomAD); In silico analysis supports that this missense variant has a deleterious effect on protein structure/function; Has not been previously published as pathogenic or benign to our knowledge

NM_001123385.2(BCOR):c.70G>A (p.Gly24Arg)

Gene: BCOR (BCL6 corepressor; minus strand). Cytogenetic location: Xp11.4.
Variant type: single nucleotide variant.
Coding change: c.70G>A on transcript NM_001123385.2 (MANE Select); coding-DNA position 70, G replaced by A.
Protein change: p.Gly24Arg; replaces glycine 24 with arginine.
Molecular consequence: missense variant.
Genome position (GRCh38, 1-based): chrX:40,077,860, C>T on the plus strand (G>A on the coding strand, the complement: BCOR is on the minus strand). VCF-style: chrX-40077860-C-T. GRCh37 (hg19) VCF-style: chrX-39937113-C-T.
Other names: c.70G>A, p.Gly24Arg (NM_001123383.2, NM_001123384.2, NM_017745.6); short protein forms G24R.
Identifiers: ClinVar variation 3364566 (VCV003364566.1).